The following is an entry in ClinVar:

NM_006922.4(SCN3A):c.519C>G (p.Ile173Met)

Gene: SCN3A (sodium voltage-gated channel alpha subunit 3; minus strand). Cytogenetic location: 2q24.3.
Variant type: single nucleotide variant.
Coding change: c.519C>G on transcript NM_006922.4 (MANE Select); coding-DNA position 519, C replaced by G.
Protein change: p.Ile173Met; replaces isoleucine 173 with methionine.
Molecular consequence: missense variant.
Genome position (GRCh38, 1-based): chr2:165,164,475, G>C on the plus strand (C>G on the coding strand, the complement: SCN3A is on the minus strand). VCF-style: chr2-165164475-G-C. GRCh37 (hg19) VCF-style: chr2-166020985-G-C.
Other names: c.519C>G, p.Ile173Met (NM_001081676.2, NM_001081677.2); short protein forms I173M.
Identifiers: ClinVar variation 860614 (VCV000860614.9), dbSNP rs1689613391, ClinGen allele CA349240064.
Genomic context (GRCh38, chr2:165,164,475, plus strand): 5'-CAGCCAGTTCCATGGATCACGAAGAAACGTAAAATCTTCTAAGCAAAACCCTCTTGCCAA[G>C]ATTTTTATAAGTGACTCAAAGGTATAGATTCCAGTGAATGTGTACCTAGGAAAAACATCC-3'
Protein context (NP_008853.3, residues 163-183): GIYTFESLIK[Ile173Met]LARGFCLEDF

ClinVar aggregate classification (germline): Uncertain significance (1 of 4 stars; one submission).

Submission:

Labcorp Genetics (formerly Invitae), Labcorp
Classification: Uncertain significance. Last evaluated: 2019-12-08. Review status: criteria provided, single submitter. Criteria: Invitae Variant Classification Sherloc (09022015). Collection method: clinical testing. Allele origin: germline.
Comment: In summary, the available evidence is currently insufficient to determine the role of this variant in disease. Therefore, it has been classified as a Variant of Uncertain Significance. Algorithms developed to predict the effect of missense changes on protein structure and function are either unavailable or do not agree on the potential impact of this missense change (SIFT: "Deleterious"; PolyPhen-2: "Probably Damaging"; Align-GVGD: "Class C0"). This variant has not been reported in the literature in individuals with SCN3A-related conditions. This variant is not present in population databases (ExAC no frequency). This sequence change replaces isoleucine with methionine at codon 173 of the SCN3A protein (p.Ile173Met). The isoleucine residue is highly conserved and there is a small physicochemical difference between isoleucine and methionine.